The following is an entry in ClinVar:

ClinVar aggregate classification (germline): Conflicting classifications of pathogenicity. Review status: criteria provided, conflicting classifications (1 of 4 stars). 2 submissions from 2 submitters: Likely pathogenic (1); Uncertain significance (1). Last evaluated 2026-01-22.

Conditions:
Male infertility with spermatogenesis disorder. Identifiers: Orphanet 399775, MedGen C5681167, MONDO:0018391.

Submissions (2):

GeneDx
Classification: Uncertain significance. Last evaluated: 2026-01-22. Review status: criteria provided, single submitter. Criteria: GeneDx Variant Classification Process June 2021. Collection method: clinical testing. Allele origin: germline.
Comment: In silico analysis supports that this missense variant has a deleterious effect on protein structure/function; Not observed at significant frequency in large population cohorts (gnomAD); Reported within a cohort of individuals with autism; however, no further patient details were provided, and it is unknown whether this individual was tested for variants in other genes associated with their features (PMID: 28167836); This variant is associated with the following publications: (PMID: 28167836)

Laan Lab, Human Genetics Research Group, University of Tartu
Classification: Likely pathogenic for Male infertility with spermatogenesis disorder. Last evaluated: 2023-09-01. Review status: criteria provided, single submitter. Criteria: ACMG Guidelines, 2015. Collection method: research. Allele origin: germline. Inheritance: Oligogenic inheritance. Affected: yes. Observed: 1 variant allele.

Literature cited by the submitters: DOI 10.1016/j.ajhg.2024.03.013 (cited by Laan Lab, Human Genetics Research Group, University of Tartu).

NM_001347721.2(DYRK1A):c.371G>A (p.Arg124Gln)

Gene: DYRK1A (dual specificity tyrosine phosphorylation regulated kinase 1A; plus strand). Cytogenetic location: 21q22.13.
Variant type: single nucleotide variant.
Coding change: c.371G>A on transcript NM_001347721.2 (MANE Select); coding-DNA position 371, G replaced by A.
Protein change: p.Arg124Gln; replaces arginine 124 with glutamine.
Molecular consequence: missense variant.
Genome position (GRCh38, 1-based): chr21:37,480,708, G>A. VCF-style: chr21-37480708-G-A. GRCh37 (hg19) VCF-style: chr21-38853010-G-A.
Other names: c.398G>A, p.Arg133Gln (NM_101395.2, NM_130438.2, NM_001396.5); c.371G>A, p.Arg124Gln (NM_130436.2, NM_001347722.2); c.284G>A, p.Arg95Gln (NM_001347723.2); c.398G>A (NM_001396.3); short protein forms R124Q, R133Q, R95Q.
Identifiers: ClinVar variation 2690976 (VCV002690976.3), dbSNP rs2517987908, ClinGen allele CA409944213.